The following is an entry in ClinVar:

NM_001851.6(COL9A1):c.737G>A (p.Arg246Gln)

Gene: COL9A1 (collagen type IX alpha 1 chain; minus strand). Cytogenetic location: 6q13.
Variant type: single nucleotide variant.
Coding change: c.737G>A on transcript NM_001851.6 (MANE Select); coding-DNA position 737, G replaced by A.
Protein change: p.Arg246Gln; replaces arginine 246 with glutamine.
Molecular consequence: missense variant.
Genome position (GRCh38, 1-based): chr6:70,283,780, C>T on the plus strand (G>A on the coding strand, the complement: COL9A1 is on the minus strand). VCF-style: chr6-70283780-C-T. GRCh37 (hg19) VCF-style: chr6-70993483-C-T.
Other names: c.737G>A, p.Arg246Gln (NM_001377291.1); short protein forms R246Q.
Identifiers: ClinVar variation 2421886 (VCV002421886.6), dbSNP rs1165032530, ClinGen allele CA364667219.

ClinVar aggregate classification (germline): Uncertain significance (1 of 4 stars; one submission).

Allele frequency attached by ClinVar (database versions not stated): gnomAD exomes 0.00001.

Submission:

Labcorp Genetics (formerly Invitae), Labcorp
Classification: Uncertain significance. Last evaluated: 2022-03-19. Review status: criteria provided, single submitter. Criteria: Invitae Variant Classification Sherloc (09022015). Collection method: clinical testing. Allele origin: germline.
Comment: This variant is present in population databases (no rsID available, gnomAD 0.003%). This variant has not been reported in the literature in individuals affected with COL9A1-related conditions. Advanced modeling of protein sequence and biophysical properties (such as structural, functional, and spatial information, amino acid conservation, physicochemical variation, residue mobility, and thermodynamic stability) performed at Invitae indicates that this missense variant is not expected to disrupt COL9A1 protein function. In summary, the available evidence is currently insufficient to determine the role of this variant in disease. Therefore, it has been classified as a Variant of Uncertain Significance. This sequence change replaces arginine, which is basic and polar, with glutamine, which is neutral and polar, at codon 246 of the COL9A1 protein (p.Arg246Gln).